The following is an entry in ClinVar:

NM_000256.3(MYBPC3):c.1652T>A (p.Ile551Asn)

Gene: MYBPC3 (myosin binding protein C3; minus strand). Cytogenetic location: 11p11.2.
Variant type: single nucleotide variant.
Coding change: c.1652T>A on transcript NM_000256.3 (MANE Select); coding-DNA position 1652, T replaced by A.
Protein change: p.Ile551Asn; replaces isoleucine 551 with asparagine.
Molecular consequence: missense variant.
Genome position (GRCh38, 1-based): chr11:47,342,129, A>T on the plus strand (T>A on the coding strand, the complement: MYBPC3 is on the minus strand). VCF-style: chr11-47342129-A-T. GRCh37 (hg19) VCF-style: chr11-47363680-A-T.
Other names: short protein forms I551N.
Identifiers: ClinVar variation 919830 (VCV000919830.12), dbSNP rs1047978195, ClinGen allele CA221695105.

ClinVar aggregate classification (germline): Uncertain significance. Review status: criteria provided, multiple submitters, no conflicts (2 of 4 stars). 2 submissions from 2 submitters: Uncertain significance (2). Last evaluated 2023-12-05.

Conditions:
Cardiomyopathy (CMYO). Also called: Cardiomyopathies. Identifiers: Orphanet 167848, MedGen C0878544, MONDO:0004994, HP:0001638. Inheritance: Various modes of inheritance.
Hypertrophic cardiomyopathy. Also called: HYPERTROPHIC MYOCARDIOPATHY. Identifiers: Orphanet 217569, MedGen C0007194, MeSH D002312, MONDO:0005045, HP:0001639.

Allele frequency attached by ClinVar (database versions not stated): gnomAD 0.00001; TOPMed 0.00001.
gnomAD v4.1: 1 of 1,613,856 alleles (0.000062%); highest among the groups gnomAD compares: African/African-American, 0.0013%; no homozygotes.

Submissions (2):

Color Diagnostics, LLC DBA Color Health
Classification: Uncertain significance for Cardiomyopathy. Last evaluated: 2023-12-05. Review status: criteria provided, single submitter. Criteria: ACMG Guidelines, 2015. Collection method: clinical testing. Allele origin: germline.
Comment: This missense variant replaces isoleucine with asparagine at codon 551 of the MYBPC3 protein. Computational prediction tools and conservation analyses suggest that this variant may have deleterious impact on the protein function. Computational splicing tools suggest that this variant may not impact RNA splicing. To our knowledge, functional assays have not been performed for this variant nor has this variant been reported in individuals affected with cardiovascular disorders in the literature. This variant has been identified in 1/31394 chromosomes in the general population by the Genome Aggregation Database (gnomAD). Available evidence is insufficient to determine the role of this variant in disease conclusively. Therefore, this variant is classified as a Variant of Uncertain Significance.

Labcorp Genetics (formerly Invitae), Labcorp
Classification: Uncertain significance for Hypertrophic cardiomyopathy. Last evaluated: 2021-07-21. Review status: criteria provided, single submitter. Criteria: Invitae Variant Classification Sherloc (09022015). Collection method: clinical testing. Allele origin: germline.
Comment: Algorithms developed to predict the effect of missense changes on protein structure and function (SIFT, PolyPhen-2, Align-GVGD) all suggest that this variant is likely to be disruptive. ClinVar contains an entry for this variant (Variation ID: 919830). This variant has not been reported in the literature in individuals affected with MYBPC3-related conditions. This variant is not present in population databases (ExAC no frequency). This sequence change replaces isoleucine with asparagine at codon 551 of the MYBPC3 protein (p.Ile551Asn). The isoleucine residue is highly conserved and there is a large physicochemical difference between isoleucine and asparagine. In summary, the available evidence is currently insufficient to determine the role of this variant in disease. Therefore, it has been classified as a Variant of Uncertain Significance.